The following is an entry in ClinVar:

ClinVar aggregate classification (germline): Benign/Likely benign. Review status: criteria provided, multiple submitters, no conflicts (2 of 4 stars). 3 submissions from 3 submitters: Benign (1); Likely benign (2). Last evaluated 2024-02-22.

Conditions:
Hereditary cancer-predisposing syndrome. Also called: Tumor predisposition; Hereditary neoplastic syndrome; Neoplastic Syndromes, Hereditary; Hereditary Cancer Syndrome. Identifiers: Orphanet 140162, MedGen C0027672, MeSH D009386, MONDO:0015356.
Familial adenomatous polyposis 1 (FAP1). Also called: FAMILIAL ADENOMATOUS POLYPOSIS 1, ATTENUATED; POLYPOSIS, ADENOMATOUS INTESTINAL. Identifiers: MedGen C2713442, MONDO:0021056, OMIM 175100. Disease mechanism: loss of function.

Allele frequency attached by ClinVar (database versions not stated): TOPMed below 0.00001.

Submissions (3):

Myriad Genetics, Inc.
Classification: Benign for Familial adenomatous polyposis 1. Last evaluated: 2024-02-22. Review status: criteria provided, single submitter. Criteria: Myriad Autosomal Dominant, Autosomal Recessive and X-Linked Classification Criteria (2023). Collection method: clinical testing. Allele origin: unknown.
Comment: This variant is considered benign. This variant is a silent/synonymous amino acid change and it is not expected to impact splicing.

Labcorp Genetics (formerly Invitae), Labcorp
Classification: Likely benign for Familial adenomatous polyposis 1. Last evaluated: 2022-12-23. Review status: criteria provided, single submitter. Criteria: Invitae Variant Classification Sherloc (09022015). Collection method: clinical testing. Allele origin: germline.

Ambry Genetics
Classification: Likely benign for Hereditary cancer-predisposing syndrome. Last evaluated: 2022-08-06. Review status: criteria provided, single submitter. Criteria: Ambry Variant Classification Scheme 2023. Collection method: clinical testing. Allele origin: germline.

NM_000038.6(APC):c.156A>G (p.Gln52=)

Gene: APC (APC regulator of Wnt signaling pathway; plus strand). Cytogenetic location: 5q22.2.
Variant type: single nucleotide variant.
Coding change: c.156A>G on transcript NM_000038.6 (MANE Select); coding-DNA position 156, A replaced by G.
Protein change: p.Gln52=; no amino-acid change (glutamine 52 retained).
Molecular consequence: synonymous variant. On other transcripts: 5 prime UTR variant (4).
Genome position (GRCh38, 1-based): chr5:112,766,346, A>G. VCF-style: chr5-112766346-A-G. GRCh37 (hg19) VCF-style: chr5-112102043-A-G.
Other names: c.156A>G, p.Gln52= (NM_001127510.3, NM_001354895.2, NM_001354896.2 and 2 more transcripts); c.186A>G, p.Gln62= (NM_001127511.3, NM_001354897.2, NM_001354902.2); c.81A>G, p.Gln27= (NM_001354898.2, NM_001354904.2); c.-22A>G (NM_001354900.2, NM_001354901.2, NM_001354905.2); c.-880A>G (NM_001354906.2).
Identifiers: ClinVar variation 1359561 (VCV001359561.8), dbSNP rs1756319541, ClinGen allele CA445752986.